The following is an entry in ClinVar:

NM_024675.3(PALB2):c.1724dup (p.Ser576Glufs)

Gene: PALB2 (partner and localizer of BRCA2; minus strand). Cytogenetic location: 16p12.2.
Variant type: Duplication.
Coding change: c.1724dup on transcript NM_024675.3; coding-DNA position 1724, one base duplicated (G; older notation c.1724dupG).
Protein change: p.Ser576Glufs; shifts the reading frame from serine 576.
Molecular consequence: frameshift variant (on NM_024675.4).
Genome position (GRCh38, 1-based): chr16:23,630,429, C duplicated on the plus strand (G on the coding strand, the reverse complement: PALB2 is on the minus strand); the first of 2 consecutive C bases (chr16:23,630,429-23,630,430); duplicating either gives the same sequence. VCF-style (leftmost placement, unchanged base first): chr16-23630428-T-TC. GRCh37 (hg19) VCF-style: chr16-23641749-T-TC.
Other names: c.1725dup, p.Ser576fs (NM_024675.4); short protein forms S576fs.
Identifiers: ClinVar variation 425102 (VCV000425102.11), dbSNP rs1555460682, ClinGen allele CA645509224.

ClinVar aggregate classification (germline): Pathogenic/Likely pathogenic. Review status: criteria provided, multiple submitters, no conflicts (2 of 4 stars). 5 submissions from 5 submitters: Pathogenic (4); Likely pathogenic (1). Last evaluated 2025-08-04.

Conditions:
Familial cancer of breast. Also called: Hereditary breast cancer; BREAST CANCER, FAMILIAL; hereditary breast carcinoma. Identifiers: Orphanet 227535, MedGen C0346153, MONDO:0016419, OMIM 114480. Disease mechanism: loss of function.
Hereditary cancer-predisposing syndrome. Also called: Hereditary neoplastic syndrome; Neoplastic Syndromes, Hereditary; Tumor predisposition; Hereditary Cancer Syndrome. Identifiers: Orphanet 140162, MedGen C0027672, MeSH D009386, MONDO:0015356.

Submissions (5):

Ambry Genetics
Classification: Pathogenic for Hereditary cancer-predisposing syndrome. Last evaluated: 2025-08-04. Review status: criteria provided, single submitter. Criteria: Ambry Variant Classification Scheme 2023. Collection method: clinical testing. Allele origin: germline.
Comment: The c.1725dupG pathogenic mutation, located in coding exon 5 of the PALB2 gene, results from a duplication of G at nucleotide position 1725, causing a translational frameshift with a predicted alternate stop codon (p.S576Efs*2). This variant was identified in an individual diagnosed with pancreatic cancer (Boeck S et al. Ann Oncol, 2017 02;28:438-439). This variant is considered to be rare based on population cohorts in the Genome Aggregation Database (gnomAD). This alteration is expected to result in loss of function by premature protein truncation or nonsense-mediated mRNA decay. As such, this alteration is interpreted as a disease-causing mutation.

Labcorp Genetics (formerly Invitae), Labcorp
Classification: Pathogenic for Familial cancer of breast. Last evaluated: 2024-09-03. Review status: criteria provided, single submitter. Criteria: Invitae Variant Classification Sherloc (09022015). Collection method: clinical testing. Allele origin: germline.
Comment: This sequence change creates a premature translational stop signal (p.Ser576Glufs*2) in the PALB2 gene. It is expected to result in an absent or disrupted protein product. Loss-of-function variants in PALB2 are known to be pathogenic (PMID: 17200668, 17200671, 17200672, 24136930, 25099575). This variant is not present in population databases (gnomAD no frequency). This premature translational stop signal has been observed in individual(s) with pancreatic ductal adenocarcinoma (PMID: 27803004). ClinVar contains an entry for this variant (Variation ID: 425102). For these reasons, this variant has been classified as Pathogenic.

Baylor Genetics
Classification: Pathogenic for Familial cancer of breast. Last evaluated: 2024-02-07. Review status: criteria provided, single submitter. Criteria: ACMG Guidelines, 2015. Collection method: clinical testing. Allele origin: unknown.

Myriad Genetics, Inc.
Classification: Pathogenic for Familial cancer of breast. Last evaluated: 2023-09-11. Review status: criteria provided, single submitter. Criteria: Myriad Autosomal Dominant, Autosomal Recessive and X-Linked Classification Criteria (2023). Collection method: clinical testing. Allele origin: unknown.
Comment: This variant is considered pathogenic. This variant creates a frameshift predicted to result in premature protein truncation.

CeGaT Center for Human Genetics Tuebingen
Classification: Likely pathogenic. Last evaluated: 2016-12-31. Review status: criteria provided, single submitter. Criteria: Praxis fuer Humangenetik Tuebingen - Variant Classification Criteria. Collection method: clinical testing. Allele origin: germline. Affected: yes. Observed: 1 variant allele.

Literature cited by the submitters: PubMed 27803004 (cited by Ambry Genetics and Labcorp Genetics (formerly Invitae), Labcorp); PubMed 17200668 (cited by Labcorp Genetics (formerly Invitae), Labcorp); PubMed 17200671 (cited by Labcorp Genetics (formerly Invitae), Labcorp); PubMed 17200672 (cited by Labcorp Genetics (formerly Invitae), Labcorp); PubMed 24136930 (cited by Labcorp Genetics (formerly Invitae), Labcorp); PubMed 25099575 (cited by Labcorp Genetics (formerly Invitae), Labcorp).